The following is an entry in ClinVar:

NC_000005.9:g.(?_171765373)_(172550225_?)del

Genes: ATP6V0E1 (ATPase H+ transporting V0 subunit e1; plus strand), CREBRF (CREB3 regulatory factor; plus strand), DUSP1 (dual specificity phosphatase 1; minus strand), ERGIC1 (endoplasmic reticulum-golgi intermediate compartment 1; plus strand), NEURL1B (neuralized E3 ubiquitin protein ligase 1B; plus strand) and 3 more. Cytogenetic location: 5q35.1.
Variant type: Deletion.
Identifiers: ClinVar variation 3246450 (VCV003246450.1).

ClinVar aggregate classification (germline): Pathogenic (1 of 4 stars; one submission).

Submission:

Labcorp Genetics (formerly Invitae), Labcorp
Classification: Pathogenic. Last evaluated: 2023-09-06. Review status: criteria provided, single submitter. Criteria: Invitae Variant Classification Sherloc (09022015). Collection method: clinical testing. Allele origin: unknown.
Comment: For these reasons, this variant has been classified as Pathogenic. This variant has not been reported in the literature in individuals affected with SH3PXD2B-related conditions. A gross deletion of the genomic region encompassing the full coding sequence of the SH3PXD2B gene has been identified. Loss-of-function variants in SH3PXD2B are known to be pathogenic (PMID: 20137777). The boundaries of this event are unknown as they extend beyond the assayed region for this gene and therefore may encompass additional genes.

Literature cited by the submitters: PubMed 20137777.